The following is an entry in ClinVar:

ClinVar aggregate classification (germline): Conflicting classifications of pathogenicity. Review status: criteria provided, conflicting classifications (1 of 4 stars). 3 submissions from 3 submitters: Uncertain significance (1); Likely benign (2). Last evaluated 2025-06-12.

Conditions:
Renal tubular dysgenesis. Also called: Renotubular dysgenesis. Identifiers: Orphanet 3033, MedGen C0266313, MONDO:0017609, HP:0008660.

Allele frequency attached by ClinVar (database versions not stated): gnomAD exomes 0.00024 and 0.00036; ExAC 0.00042; ESP Exome Variant Server 0.00115; gnomAD 0.00120 and 0.00123; 1000 Genomes Project 0.00140; TOPMed 0.00142; 1000 Genomes Project 30x 0.00156.
gnomAD v4.1: 541 of 1,614,120 alleles (0.034%); highest among the groups gnomAD compares: African/African-American, 0.35%; 1 homozygote.

Submissions (3):

Labcorp Genetics (formerly Invitae), Labcorp
Classification: Likely benign. Last evaluated: 2025-06-12. Review status: criteria provided, single submitter. Criteria: Invitae Variant Classification Sherloc (09022015). Collection method: clinical testing. Allele origin: germline.

CeGaT Center for Human Genetics Tuebingen
Classification: Likely benign. Last evaluated: 2024-10-01. Review status: criteria provided, single submitter. Criteria: CeGaT Center For Human Genetics Tuebingen Variant Classification Criteria Version 2. Collection method: clinical testing. Allele origin: germline. Affected: yes. Observed: 1 variant allele.
Comment: ACE: BP4

Illumina Laboratory Services, Illumina
Classification: Uncertain significance for Renal tubular dysgenesis of genetic origin. Last evaluated: 2018-02-02. Review status: criteria provided, single submitter. Criteria: ICSL Variant Classification Criteria 13 December 2019. Collection method: clinical testing. Allele origin: germline.

NM_000789.4(ACE):c.3053T>C (p.Ile1018Thr)

Gene: ACE (angiotensin I converting enzyme; plus strand). Cytogenetic location: 17q23.3.
Variant type: single nucleotide variant.
Coding change: c.3053T>C on transcript NM_000789.4 (MANE Select); coding-DNA position 3053, T replaced by C.
Protein change: p.Ile1018Thr; replaces isoleucine 1018 with threonine.
Molecular consequence: missense variant.
Genome position (GRCh38, 1-based): chr17:63,493,576, T>C. VCF-style: chr17-63493576-T-C. GRCh37 (hg19) VCF-style: chr17-61570937-T-C.
Other names: c.1331T>C, p.Ile444Thr (NM_001178057.2, NM_152830.3); short protein forms I1018T, I444T.
Identifiers: ClinVar variation 888967 (VCV000888967.26), dbSNP rs4976, ClinGen allele CA8700349.
Genomic context (GRCh38, chr17:63,493,576, plus strand): 5'-AGTACAAAGACTTACCTGTGGCCTTGAGGGAGGGTGCCAACCCCGGCTTCCATGAGGCCA[T>C]TGGGGACGTGCTAGCCCTCTCAGTGTCTACGCCCAAGCACCTGCACAGTCTCAACCTGCT-3'
Protein context (NP_000780.1, residues 1008-1028): EGANPGFHEA[Ile1018Thr]GDVLALSVST